The following is an entry in ClinVar:

ClinVar aggregate classification (germline): Uncertain significance (1 of 4 stars; one submission).

Allele frequency attached by ClinVar (database versions not stated): TOPMed below 0.00001.

Submission:

Ambry Genetics
Classification: Uncertain significance. Last evaluated: 2021-08-13. Review status: criteria provided, single submitter. Criteria: Ambry Variant Classification Scheme 2023. Collection method: clinical testing. Allele origin: germline.
Comment: The p.P717T variant (also known as c.2149C>A), located in coding exon 4 of the ALPK2 gene, results from a C to A substitution at nucleotide position 2149. The proline at codon 717 is replaced by threonine, an amino acid with highly similar properties. This amino acid position is conserved. In addition, this alteration is predicted to be tolerated by in silico analysis. Since supporting evidence is limited at this time, the clinical significance of this alteration remains unclear.

NM_052947.4(ALPK2):c.2149C>A (p.Pro717Thr)

Gene: ALPK2 (alpha kinase 2; minus strand). Cytogenetic location: 18q21.31.
Variant type: single nucleotide variant.
Coding change: c.2149C>A on transcript NM_052947.4 (MANE Select); coding-DNA position 2149, C replaced by A.
Protein change: p.Pro717Thr; replaces proline 717 with threonine.
Molecular consequence: missense variant.
Genome position (GRCh38, 1-based): chr18:58,538,038, G>T on the plus strand (C>A on the coding strand, the complement: ALPK2 is on the minus strand). VCF-style: chr18-58538038-G-T. GRCh37 (hg19) VCF-style: chr18-56205270-G-T.
Other names: short protein forms P717T.
Identifiers: ClinVar variation 1786688 (VCV001786688.2), dbSNP rs1447219004, ClinGen allele CA402571441.